The following is an entry in ClinVar:

NM_004733.4(SLC33A1):c.966T>C (p.Ile322=)

Gene: SLC33A1 (solute carrier family 33 member 1; minus strand). Cytogenetic location: 3q25.31.
Variant type: single nucleotide variant.
Coding change: c.966T>C on transcript NM_004733.4 (MANE Select); coding-DNA position 966, T replaced by C.
Protein change: p.Ile322=; no amino-acid change (isoleucine 322 retained).
Molecular consequence: synonymous variant. On other transcripts: missense variant (1).
Genome position (GRCh38, 1-based): chr3:155,834,039, A>G on the plus strand (T>C on the coding strand, the complement: SLC33A1 is on the minus strand). VCF-style: chr3-155834039-A-G. GRCh37 (hg19) VCF-style: chr3-155551828-A-G.
Other names: c.966T>C, p.Ile322= (NM_001190992.2); c.778T>C, p.Trp260Arg (NM_001363883.1); short protein forms W260R.
Identifiers: ClinVar variation 3043601 (VCV003043601.2), dbSNP rs1752560080, ClinGen allele CA436447575.

ClinVar aggregate classification (germline): Likely benign (0 of 4 stars; one submission).

Conditions:
SLC33A1-related disorder. Also called: SLC33A1-related condition.

Allele frequency attached by ClinVar (database versions not stated): gnomAD exomes below 0.00001; gnomAD 0.00001; TOPMed 0.00001.
gnomAD v4.1: 6 of 1,612,792 alleles (0.00037%); highest among the groups gnomAD compares: Non-Finnish European, 0.00051%; no homozygotes.

Submission:

PreventionGenetics, part of Exact Sciences
Classification: Likely benign for SLC33A1-related condition. Last evaluated: 2019-06-05. Review status: no assertion criteria provided. Collection method: clinical testing. Allele origin: germline.
Comment: This variant is classified as likely benign based on ACMG/AMP sequence variant interpretation guidelines (Richards et al. 2015 PMID: 25741868, with internal and published modifications).